The following is an entry in ClinVar:

NM_006412.4(AGPAT2):c.*79C>G

Gene: AGPAT2 (1-acylglycerol-3-phosphate O-acyltransferase 2; minus strand). Cytogenetic location: 9q34.3.
Variant type: single nucleotide variant.
Coding change: c.*79C>G on transcript NM_006412.4 (MANE Select); 79 bases downstream of the stop codon, C replaced by G.
Molecular consequence: 3 prime UTR variant.
Genome position (GRCh38, 1-based): chr9:136,673,673, G>C on the plus strand (C>G on the coding strand, the complement: AGPAT2 is on the minus strand). VCF-style: chr9-136673673-G-C. GRCh37 (hg19) VCF-style: chr9-139568125-G-C.
Other names: c.*79C>G (NM_001012727.2).
Identifiers: ClinVar variation 365914 (VCV000365914.8), dbSNP rs112657922, ClinGen allele CA10633292.

ClinVar aggregate classification (germline): Benign/Likely benign. Review status: criteria provided, multiple submitters, no conflicts (2 of 4 stars). 4 submissions from 4 submitters: Benign (3); Likely benign (1). Last evaluated 2021-08-24.

Conditions:
Congenital generalized lipodystrophy type 1 (CGL1). Also called: BRUNZELL SYNDROME, AGPAT2-RELATED; Berardinelli-Seip Congenital Lipodystrophy Type 1. Identifiers: Orphanet 528, Orphanet 696189, MedGen C1720862, MONDO:0012071, OMIM 608594.

Allele frequency attached by ClinVar (database versions not stated): 1000 Genomes Project 0.01937; TOPMed 0.01972; 1000 Genomes Project 30x 0.02108.
gnomAD v4.1: 6,189 of 1,408,574 alleles (0.44%); highest among the groups gnomAD compares: African/African-American, 6.4%; 144 homozygotes.

Submissions (4):

Fulgent Genetics
Classification: Likely benign for Congenital generalized lipodystrophy type 1. Last evaluated: 2021-08-24. Review status: criteria provided, single submitter. Criteria: ACMG Guidelines, 2015. Collection method: clinical testing. Allele origin: unknown.

GeneDx
Classification: Benign. Last evaluated: 2019-08-22. Review status: criteria provided, single submitter. Criteria: GeneDx Variant Classification Process June 2021. Collection method: clinical testing. Allele origin: germline. Affected: yes.
Comment: This variant is associated with the following publications: (PMID: 11967537)

Illumina Laboratory Services, Illumina
Classification: Benign for Congenital generalized lipodystrophy type 1. Last evaluated: 2018-01-13. Review status: criteria provided, single submitter. Criteria: ICSL Variant Classification Criteria 13 December 2019. Collection method: clinical testing. Allele origin: germline.
Comment: This variant was observed in the ICSL laboratory as part of a predisposition screen in an ostensibly healthy population. It had not been previously curated by ICSL or reported in the Human Gene Mutation Database (HGMD: prior to June 1st, 2018), and was therefore a candidate for classification through an automated scoring system. Utilizing variant allele frequency, disease prevalence and penetrance estimates, and inheritance mode, an automated score was calculated to assess if this variant is too frequent to cause the disease. Based on the score and internal cut-off values, a variant classified as benign is not then subjected to further curation. The score for this variant resulted in a classification of benign for this disease.

Breakthrough Genomics
Classification: Benign. Review status: criteria provided, single submitter. Criteria: ACMG Guidelines, 2015. Collection method: not provided. Allele origin: germline. Inheritance: Autosomal recessive inheritance. Affected: yes.